The following is an entry in ClinVar:

NM_000051.4(ATM):c.5675-7_5675-4del

Gene: ATM (ATM serine/threonine kinase; plus strand). Cytogenetic location: 11q22.3.
Variant type: Microsatellite.
Coding change: c.5675-7_5675-4del on transcript NM_000051.4 (MANE Select); 7 bases into the intron before coding-DNA position 5675 through 4 bases into the intron before coding-DNA position 5675, 4 bases deleted (TTGT; older notation c.5675-7_5675-4delTTGT).
Molecular consequence: intron variant.
Genome position (GRCh38, 1-based): chr11:108,307,890-108,307,893, TTGT deleted; deleting any 4 consecutive bases within chr11:108,307,885-108,307,893 gives the same sequence; the c. name uses the placement nearest the transcript's 3' end. VCF-style (leftmost placement, unchanged base first): chr11-108307884-TTTTG-T. GRCh37 (hg19) VCF-style: chr11-108178611-TTTTG-T.
Other names: c.5675-7_5675-4del (NM_001351834.2); c.5675-7_5675-4delTTGT (NM_000051.4, NM_000051.3).
Identifiers: ClinVar variation 453597 (VCV000453597.35), dbSNP rs1189695629, ClinGen allele CA601723510.

ClinVar aggregate classification (germline): Conflicting classifications of pathogenicity. Review status: criteria provided, conflicting classifications (1 of 4 stars). 10 submissions from 10 submitters: Pathogenic (2); Likely pathogenic (3); Uncertain significance (4). 1 of the submissions does not count toward it. Last evaluated 2026-04-01.

Conditions:
Hereditary cancer-predisposing syndrome. Also called: Tumor predisposition; Hereditary Cancer Syndrome; Neoplastic Syndromes, Hereditary; Hereditary neoplastic syndrome. Identifiers: Orphanet 140162, MedGen C0027672, MeSH D009386, MONDO:0015356.
Familial cancer of breast. Also called: BREAST CANCER, FAMILIAL; hereditary breast carcinoma; Hereditary breast cancer. Identifiers: Orphanet 227535, MedGen C0346153, MONDO:0016419, OMIM 114480. Disease mechanism: loss of function.
Ataxia-telangiectasia syndrome (AT). Also called: Ataxia-telangiectasia, complementation group D; AT, COMPLEMENTATION GROUP C; Ataxia-telangiectasia, complementation group E; ATAXIA-TELANGIECTASIA, COMPLEMENTATION GROUP A; ATAXIA-TELANGIECTASIA, FRESNO VARIANT; Ataxia-telangiectasia. Identifiers: Orphanet 100, MedGen C0004135, MONDO:0008840, OMIM 208900.

Submissions (10):

Myriad Genetics, Inc.
Classification: Likely pathogenic for Familial cancer of breast. Last evaluated: 2026-04-01. Review status: criteria provided, single submitter. Criteria: Myriad Autosomal Dominant, Autosomal Recessive and X-Linked Classification Criteria (2023). Collection method: clinical testing. Allele origin: unknown.
Comment: This variant is considered likely pathogenic. mRNA analysis has demonstrated abnormal mRNA splicing occurs [Myriad internal data]. This variant has been reported in an individual with clinical features of gene-specific disease [PMID: 34477998].

Ambry Genetics
Classification: Likely pathogenic for Hereditary cancer-predisposing syndrome. Last evaluated: 2025-12-17. Review status: criteria provided, single submitter. Criteria: Ambry Variant Classification Scheme 2023. Collection method: clinical testing. Allele origin: germline.
Comment: The c.5675-7_5675-4delTTGT intronic variant, located in intron 36 of the ATM gene, results from a deletion of 4 nucleotides within intron 36 of the ATM gene. This nucleotide region is well conserved in available vertebrate species. This variant has been reported in conjunction with a missense ATM mutation in a patient with ataxia-telangiectasia (Zielen S et al. J Clin Immunol 2021 Nov;41(8):1878-1892). In silico splice site analysis predicts that this alteration will weaken the native splice acceptor site. RNA studies have demonstrated that this alteration results in abnormal splicing in the set of samples tested (Ambry internal data). Based on the majority of available evidence to date, this variant is likely to be pathogenic.

Labcorp Genetics (formerly Invitae), Labcorp
Classification: Pathogenic for Ataxia-telangiectasia syndrome. Last evaluated: 2025-11-13. Review status: criteria provided, single submitter. Criteria: Invitae Variant Classification Sherloc (09022015). Collection method: clinical testing. Allele origin: germline.
Comment: This sequence change falls in intron 37 of the ATM gene. It does not directly change the encoded amino acid sequence of the ATM protein. RNA analysis indicates that this variant induces altered splicing and may result in an absent or altered protein product. This variant is present in population databases (no rsID available, gnomAD 0.0009%). This variant has not been reported in the literature in individuals affected with ATM-related conditions. ClinVar contains an entry for this variant (Variation ID: 453597). Studies have shown that this variant results in exon 38 skipping, and produces a non-functional protein and/or introduces a premature termination codon (internal data). For these reasons, this variant has been classified as Pathogenic.

Athena Diagnostics
Classification: Uncertain significance. Last evaluated: 2025-02-21. Review status: criteria provided, single submitter. Criteria: Athena Diagnostics Criteria. Collection method: clinical testing. Allele origin: unknown.
Comment: Available data are insufficient to determine the clinical significance of the variant at this time. The frequency of this variant in the general population is uninformative in assessment of its pathogenicity. This variant has been identified in at least one individual with clinical features associated with autosomal recessive ataxia-telangiectasia. Computational tools yielded inconclusive predictions regarding the effect of this variant on RNA splicing.

Color Diagnostics, LLC DBA Color Health
Classification: Uncertain significance for Hereditary cancer-predisposing syndrome. Last evaluated: 2025-01-14. Review status: criteria provided, single submitter. Criteria: ACMG Guidelines, 2015. Collection method: clinical testing. Allele origin: germline.
Comment: This variant deletes 4 nucleotides of intron 37 of the ATM gene. Splice site prediction tools suggest that this variant may have a significant impact on RNA splicing. This variant has been reported to impact RNA splicing by an external laboratory, however, detailed data are not available for review (ClinVar SCV000622616.8). To our knowledge, this variant has not been reported in individuals affected with hereditary cancer in the literature. This variant has been identified in 1/250386 chromosomes in the general population by the Genome Aggregation Database (gnomAD). Available evidence is insufficient to determine the role of this variant in disease conclusively. Therefore, this variant is classified as a Variant of Uncertain Significance.

Women's Health and Genetics/Laboratory Corporation of America, LabCorp
Classification: Pathogenic for Ataxia-telangiectasia syndrome. Last evaluated: 2024-12-19. Review status: criteria provided, single submitter. Criteria: LabCorp Variant Classification Summary - May 2015. Collection method: clinical testing. Allele origin: germline.
Comment: Variant summary: ATM c.5675-7_5675-4delTTGT alters a conserved nucleotide located close to a canonical splice site and therefore could affect mRNA splicing, leading to a significantly altered protein sequence. Several computational tools predict a significant impact on normal splicing: Two predict the variant abolishes a 3' acceptor site. One predicts the variant weakens a 3' acceptor site. One predicts the variant no significant impact on splicing. Internal RNA splicing evidence shows that this variant affects mRNA splicing in at least 2 individuals resulting in out of frame skipping of exon 38, predicted to lead to nonsense mediated decay (Labcorp, formerly Invitae). The variant allele was found at a frequency of 4e-06 in 250386 control chromosomes. c.5675-7_5675-4delTTGT has been reported in the presumed compound heterozygous state in the literature in at least 1 individual affected with Ataxia-Telangiectasia (example, Zielen_2021). The following publications have been ascertained in the context of this evaluation (PMID: 34477998). ClinVar contains an entry for this variant (Variation ID: 453597). Based on the evidence outlined above, the variant was classified as pathogenic.

GeneDx
Classification: Likely pathogenic. Last evaluated: 2024-04-15. Review status: criteria provided, single submitter. Criteria: GeneDx Variant Classification Process June 2021. Collection method: clinical testing. Allele origin: germline. Affected: yes.
Comment: RNA studies demonstrate aberrant splicing (External communication with Invitae and Ambry Genetics); Observed in an individual with ataxia-telangiectasia who also harbored a second ATM variant; however, it is unknown whether the variants are on the same or opposite chromosomes (in cis or trans) (PMID: 34477998); Not observed at significant frequency in large population cohorts (gnomAD); This variant is associated with the following publications: (PMID: 34477998)

Blueprint Genetics
Classification: Uncertain significance. Last evaluated: 2023-10-02. Review status: criteria provided, single submitter. Criteria: ACMG Guidelines, 2015. Collection method: clinical testing. Allele origin: germline.

Institute for Clinical Genetics, University Hospital TU Dresden, University Hospital TU Dresden
Classification: Uncertain significance. Last evaluated: 2021-11-03. Review status: criteria provided, single submitter. Criteria: ACMG Guidelines, 2015. Collection method: clinical testing. Allele origin: germline.

Natera, Inc.
Classification: Uncertain significance for Ataxia-telangiectasia. Last evaluated: 2020-10-23. Review status: no assertion criteria provided. Collection method: clinical testing. Allele origin: germline. Not counted in ClinVar's aggregate classification.

Literature cited by the submitters: PubMed 34477998 (cited by 3 submitters); PubMed 39907309 (cited by Athena Diagnostics).